The following is an entry in ClinVar:

ClinVar aggregate classification (germline): Likely benign. Review status: criteria provided, single submitter (1 of 4 stars). 2 submissions from 2 submitters: Likely benign (1). 1 of the submissions does not count toward it. Last evaluated 2017-08-23.

Conditions:
ACTG1-related disorder. Also called: ACTG1-related disorders; ACTG1-related condition.

Allele frequency attached by ClinVar (database versions not stated): TOPMed 0.00001.
gnomAD v4.1: 13 of 1,611,504 alleles (0.00081%); highest among the groups gnomAD compares: Admixed American, 0.0033%; no homozygotes.

Submissions (2):

Laboratory for Molecular Medicine, Mass General Brigham Personalized Medicine
Classification: Likely benign. Last evaluated: 2017-08-23. Review status: criteria provided, single submitter. Criteria: LMM Criteria. Collection method: clinical testing. Allele origin: germline. Observed: 1 variant allele.
Comment: p.Ala347Ala in exon 6 of ACTG1: This variant is not expected to have clinical si gnificance because it does not alter an amino acid residue and is not located wi thin the splice consensus sequence. It has been identified in 1/8644 East Asian chromosomes by the Exome Aggregation Consortium (ExAC; dbSNP rs375903517).

PreventionGenetics, part of Exact Sciences
Classification: Likely benign for ACTG1-related condition. Last evaluated: 2020-10-12. Review status: no assertion criteria provided. Collection method: clinical testing. Allele origin: germline. Not counted in ClinVar's aggregate classification.
Comment: This variant is classified as likely benign based on ACMG/AMP sequence variant interpretation guidelines (Richards et al. 2015 PMID: 25741868, with internal and published modifications).

NM_001614.5(ACTG1):c.1041C>T (p.Ala347=)

Gene: ACTG1 (actin gamma 1; minus strand). Cytogenetic location: 17q25.3.
Variant type: single nucleotide variant.
Coding change: c.1041C>T on transcript NM_001614.5 (MANE Select); coding-DNA position 1041, C replaced by T.
Protein change: p.Ala347=; no amino-acid change (alanine 347 retained).
Molecular consequence: synonymous variant. On other transcripts: non-coding transcript variant (1).
Genome position (GRCh38, 1-based): chr17:81,510,777, G>A on the plus strand (C>T on the coding strand, the complement: ACTG1 is on the minus strand). VCF-style: chr17-81510777-G-A. GRCh37 (hg19) VCF-style: chr17-79477803-G-A.
Other names: c.1041C>T, p.Ala347= (NM_001199954.3); c.1041C>T (NM_001614.3).
Identifiers: ClinVar variation 667062 (VCV000667062.6), dbSNP rs375903517, ClinGen allele CA8835833.
Genomic context (GRCh38, chr17:81,510,777, plus strand): 5'-GGGGCCCGACTCGTCGTACTCCTGCTTGCTAATCCACATCTGCTGGAAGGTGGACAGTGA[G>A]GCCAGGATGGAGCCACCGATCCACACCGAGTACTTGCGCTCTGGGGGTGCGATGATCTGC-3'
Protein context (NP_001605.1, residues 337-357): YSVWIGGSIL[Ala347=]SLSTFQQMWI